The following is an entry in ClinVar:

NM_001146.5(ANGPT1):c.127T>C (p.Tyr43His)

Gene: ANGPT1 (angiopoietin 1; minus strand). Cytogenetic location: 8q23.1.
Variant type: single nucleotide variant.
Coding change: c.127T>C on transcript NM_001146.5 (MANE Select); coding-DNA position 127, T replaced by C.
Protein change: p.Tyr43His; replaces tyrosine 43 with histidine.
Molecular consequence: missense variant.
Genome position (GRCh38, 1-based): chr8:107,497,432, A>G on the plus strand (T>C on the coding strand, the complement: ANGPT1 is on the minus strand). VCF-style: chr8-107497432-A-G. GRCh37 (hg19) VCF-style: chr8-108509660-A-G.
Other names: c.127T>C, p.Tyr43His (NM_001199859.3); short protein forms Y43H.
Identifiers: ClinVar variation 3622429 (VCV003622429.2).

ClinVar aggregate classification (germline): Uncertain significance (1 of 4 stars; one submission).

gnomAD v4.1: 3 of 1,614,090 alleles (0.00019%); highest among the groups gnomAD compares: African/African-American, 0.0013%; no homozygotes.

Submission:

Labcorp Genetics (formerly Invitae), Labcorp
Classification: Uncertain significance. Last evaluated: 2024-10-10. Review status: criteria provided, single submitter. Criteria: Invitae Variant Classification Sherloc (09022015). Collection method: clinical testing. Allele origin: germline.
Comment: This sequence change replaces tyrosine, which is neutral and polar, with histidine, which is basic and polar, at codon 43 of the ANGPT1 protein (p.Tyr43His). This variant is not present in population databases (gnomAD no frequency). This variant has not been reported in the literature in individuals affected with ANGPT1-related conditions. An algorithm developed to predict the effect of missense changes on protein structure and function (PolyPhen-2) suggests that this variant is likely to be disruptive. In summary, the available evidence is currently insufficient to determine the role of this variant in disease. Therefore, it has been classified as a Variant of Uncertain Significance.